The following is an entry in ClinVar:

ClinVar aggregate classification (germline): Benign/Likely benign. Review status: criteria provided, multiple submitters, no conflicts (2 of 4 stars). 3 submissions from 3 submitters: Benign (1); Likely benign (2). Last evaluated 2025-09-03.

Conditions:
Hereditary cancer-predisposing syndrome. Also called: Neoplastic Syndromes, Hereditary; Hereditary neoplastic syndrome; Hereditary Cancer Syndrome; Tumor predisposition. Identifiers: Orphanet 140162, MedGen C0027672, MeSH D009386, MONDO:0015356.
Hereditary diffuse gastric adenocarcinoma (HDGC). Also called: DIFFUSE GASTRIC AND LOBULAR BREAST CANCER SYNDROME. Identifiers: Orphanet 26106, MedGen C1708349, MONDO:0007648, OMIM 137215.

Submissions (3):

Labcorp Genetics (formerly Invitae), Labcorp
Classification: Likely benign. Last evaluated: 2025-09-03. Review status: criteria provided, single submitter. Criteria: Invitae Variant Classification Sherloc (09022015). Collection method: clinical testing. Allele origin: germline.

Myriad Genetics, Inc.
Classification: Benign for Hereditary diffuse gastric adenocarcinoma. Last evaluated: 2024-10-11. Review status: criteria provided, single submitter. Criteria: Myriad Autosomal Dominant, Autosomal Recessive and X-Linked Classification Criteria (2023). Collection method: clinical testing. Allele origin: unknown.
Comment: This variant is considered benign. This variant is a silent/synonymous amino acid change and it is not expected to impact splicing.

Ambry Genetics
Classification: Likely benign for Hereditary cancer-predisposing syndrome. Last evaluated: 2019-11-22. Review status: criteria provided, single submitter. Criteria: Ambry Variant Classification Scheme 2023. Collection method: clinical testing. Allele origin: germline.

NM_001903.5(CTNNA1):c.1200A>G (p.Pro400=)

Gene: CTNNA1 (catenin alpha 1; plus strand). Cytogenetic location: 5q31.2.
Variant type: single nucleotide variant.
Coding change: c.1200A>G on transcript NM_001903.5 (MANE Select); coding-DNA position 1200, A replaced by G.
Protein change: p.Pro400=; no amino-acid change (proline 400 retained).
Molecular consequence: synonymous variant. On other transcripts: 5 prime UTR variant (5), intron variant (2).
Genome position (GRCh38, 1-based): chr5:138,887,546, A>G. VCF-style: chr5-138887546-A-G. GRCh37 (hg19) VCF-style: chr5-138223235-A-G.
Other names: c.1200A>G, p.Pro400= (NM_001290307.3, NM_001323982.2, NM_001323983.1 and 3 more transcripts); c.891A>G, p.Pro297= (NM_001290309.3); c.831A>G, p.Pro277= (NM_001290310.3); c.90A>G, p.Pro30= (NM_001290312.1, NM_001323987.1, NM_001323988.1 and 18 more transcripts); c.-308A>G (NM_001324006.1, NM_001324007.1, NM_001324008.1 and 1 more transcripts); c.-183A>G (NM_001324013.1); c.-58+11949A>G (NM_001324012.1); c.-61+11949A>G (NM_001324010.1).
Identifiers: ClinVar variation 1587958 (VCV001587958.11), dbSNP rs2150032364, ClinGen allele CA446589848.